The following is an entry in ClinVar:

ClinVar aggregate classification (germline): Likely pathogenic (1 of 4 stars; one submission).

Conditions:
COL1A1-related disorder. Also called: COL1A1-related condition; COL1A1- related disease.

Submission:

PreventionGenetics, part of Exact Sciences
Classification: Likely pathogenic for COL1A1-related condition. Last evaluated: 2026-06-04. Review status: criteria provided, single submitter. Criteria: ACMG Guidelines, 2015. Collection method: clinical testing. Allele origin: germline.
Comment: The COL1A1 c.249_253dup5 variant is predicted to result in a frameshift and premature protein termination (p.Glu85Alafs*182). To our knowledge, this variant has not been reported in the literature or in a large population database (gnomAD), indicating this variant is rare. Frameshift variants in COL1A1 are expected to be pathogenic. This variant is interpreted as likely pathogenic.

NM_000088.4(COL1A1):c.249_253dup (p.Glu85fs)

Gene: COL1A1 (collagen type I alpha 1 chain; minus strand). Cytogenetic location: 17q21.33.
Variant type: Duplication.
Coding change: c.249_253dup on transcript NM_000088.4 (MANE Select); coding-DNA positions 249 to 253, 5 bases duplicated (CGCCG; older notation c.249_253dupCGCCG).
Protein change: p.Glu85fs; shifts the reading frame from glutamic acid 85.
Molecular consequence: frameshift variant.
Genome position (GRCh38, 1-based): chr17:50,199,798-50,199,802, CGGCG duplicated on the plus strand (CGCCG on the coding strand, the reverse complement: COL1A1 is on the minus strand); duplicating any 5 consecutive bases within chr17:50,199,798-50,199,803 gives the same sequence; the c. name uses the placement nearest the transcript's 3' end. VCF-style (leftmost placement, unchanged base first): chr17-50199797-T-TCGGCG. GRCh37 (hg19) VCF-style: chr17-48277158-T-TCGGCG.
Other names: c.249_253dup5 (NM_000088.3); short protein forms E85fs.
Identifiers: ClinVar variation 4995190 (VCV004995190.1).